The following is an entry in ClinVar:

NM_139027.6(ADAMTS13):c.22dup (p.Ala8fs)

Gene: ADAMTS13 (ADAM metallopeptidase with thrombospondin type 1 motif 13; plus strand). Cytogenetic location: 9q34.2.
Variant type: Duplication.
Coding change: c.22dup on transcript NM_139027.6 (MANE Select); coding-DNA position 22, one base duplicated (G; older notation c.22dupG).
Protein change: p.Ala8fs; shifts the reading frame from alanine 8.
Molecular consequence: frameshift variant.
Genome position (GRCh38, 1-based): chr9:133,422,465, G duplicated; the last of 3 consecutive G bases (chr9:133,422,463-133,422,465); duplicating any one gives the same sequence. VCF-style (leftmost placement, unchanged base first): chr9-133422462-C-CG. GRCh37 (hg19) VCF-style: chr9-136287582-C-CG.
Other names: c.22dup, p.Ala8fs (NM_139025.5, NM_139026.6); c.22dup (NM_139025.3); short protein forms A8fs.
Identifiers: ClinVar variation 2815335 (VCV002815335.4), dbSNP rs1840016313, ClinGen allele CA2579500019.

ClinVar aggregate classification (germline): Pathogenic/Likely pathogenic. Review status: criteria provided, multiple submitters, no conflicts (2 of 4 stars). 2 submissions from 2 submitters: Pathogenic (1); Likely pathogenic (1). Last evaluated 2024-04-12.

Submissions (2):

GeneDx
Classification: Likely pathogenic. Last evaluated: 2024-04-12. Review status: criteria provided, single submitter. Criteria: GeneDx Variant Classification Process June 2021. Collection method: clinical testing. Allele origin: germline. Affected: yes.
Comment: Frameshift variant predicted to result in protein truncation or nonsense mediated decay in a gene for which loss of function is a known mechanism of disease; Not observed at significant frequency in large population cohorts (gnomAD); This variant is associated with the following publications: (PMID: 30312976)

Labcorp Genetics (formerly Invitae), Labcorp
Classification: Pathogenic. Last evaluated: 2023-06-29. Review status: criteria provided, single submitter. Criteria: Invitae Variant Classification Sherloc (09022015). Collection method: clinical testing. Allele origin: germline.
Comment: For these reasons, this variant has been classified as Pathogenic. This premature translational stop signal has been observed in individual(s) with thrombotic thrombocytopenic purpura (PMID: 30312976). This variant is not present in population databases (gnomAD no frequency). This sequence change creates a premature translational stop signal (p.Ala8Glyfs*131) in the ADAMTS13 gene. It is expected to result in an absent or disrupted protein product. Loss-of-function variants in ADAMTS13 are known to be pathogenic (PMID: 11586351, 12753286, 21781265).

Literature cited by the submitters: PubMed 30312976 (cited by Labcorp Genetics (formerly Invitae), Labcorp); PubMed 11586351 (cited by Labcorp Genetics (formerly Invitae), Labcorp); PubMed 12753286 (cited by Labcorp Genetics (formerly Invitae), Labcorp); PubMed 21781265 (cited by Labcorp Genetics (formerly Invitae), Labcorp).